The following is an entry in ClinVar:

NM_001122769.3(LCA5):c.1720A>G (p.Ser574Gly)

Gene: LCA5 (lebercilin LCA5; minus strand). Cytogenetic location: 6q14.1.
Variant type: single nucleotide variant.
Coding change: c.1720A>G on transcript NM_001122769.3 (MANE Select); coding-DNA position 1720, A replaced by G.
Protein change: p.Ser574Gly; replaces serine 574 with glycine.
Molecular consequence: missense variant.
Genome position (GRCh38, 1-based): chr6:79,487,378, T>C on the plus strand (A>G on the coding strand, the complement: LCA5 is on the minus strand). VCF-style: chr6-79487378-T-C. GRCh37 (hg19) VCF-style: chr6-80197095-T-C.
Other names: c.1720A>G, p.Ser574Gly (NM_181714.4); short protein forms S574G.
Identifiers: ClinVar variation 2166737 (VCV002166737.1), dbSNP rs1769696436, ClinGen allele CA364638914.

ClinVar aggregate classification (germline): Uncertain significance (1 of 4 stars; one submission).

Allele frequency attached by ClinVar (database versions not stated): gnomAD exomes below 0.00001; TOPMed 0.00001.
gnomAD v4.1: 4 of 1,612,826 alleles (0.00025%); highest among the groups gnomAD compares: Non-Finnish European, 0.00025%; no homozygotes.

Submission:

Labcorp Genetics (formerly Invitae), Labcorp
Classification: Uncertain significance. Last evaluated: 2021-08-28. Review status: criteria provided, single submitter. Criteria: Invitae Variant Classification Sherloc (09022015). Collection method: clinical testing. Allele origin: germline.
Comment: This sequence change replaces serine with glycine at codon 574 of the LCA5 protein (p.Ser574Gly). The serine residue is moderately conserved and there is a small physicochemical difference between serine and glycine. This variant is not present in population databases (ExAC no frequency). This variant has not been reported in the literature in individuals affected with LCA5-related conditions. Algorithms developed to predict the effect of missense changes on protein structure and function (SIFT, PolyPhen-2, Align-GVGD) all suggest that this variant is likely to be tolerated. In summary, the available evidence is currently insufficient to determine the role of this variant in disease. Therefore, it has been classified as a Variant of Uncertain Significance.